The following is an entry in ClinVar:

ClinVar aggregate classification (germline): Uncertain significance. Review status: criteria provided, multiple submitters, no conflicts (2 of 4 stars). 3 submissions from 3 submitters: Uncertain significance (3). Last evaluated 2025-07-07.

Conditions:
Malignant hyperthermia, susceptibility to, 1 (MHS1). Also called: RYR1-Related Malignant Hyperthermia Susceptibility; Malignant hyperthermia suceptibility 1; Anesthesia related hyperthermia; Malignant hyperpyrexia; Fulminating hyperpyrexia; Pharmacogenic myopathy. Identifiers: Orphanet 423, MedGen C2930980, MONDO:0007783, OMIM 145600.

Allele frequency attached by ClinVar (database versions not stated): gnomAD 0.00001; gnomAD exomes 0.00003; TOPMed 0.00003; ExAC 0.00005; ESP Exome Variant Server 0.00008.
gnomAD v4.1: 23 of 1,613,086 alleles (0.0014%); highest among the groups gnomAD compares: South Asian, 0.0099%; no homozygotes.

Submissions (3):

Color Diagnostics, LLC DBA Color Health
Classification: Uncertain significance for Malignant hyperthermia, susceptibility to, 1. Last evaluated: 2025-07-07. Review status: criteria provided, single submitter. Criteria: ACMG Guidelines, 2015. Collection method: clinical testing. Allele origin: germline.
Comment: This missense variant replaces valine with isoleucine at codon 1830 of the RYR1 protein. Computational prediction suggests that this variant may not impact protein structure and function. To our knowledge, functional studies have not been reported for this variant. This variant has not been reported in individuals affected with RYR1-related disorders in the literature. This variant has been identified in 8/239546 chromosomes in the general population by the Genome Aggregation Database (gnomAD). The available evidence is insufficient to determine the role of this variant in disease conclusively. Therefore, this variant is classified as a Variant of Uncertain Significance.

All of Us Research Program, National Institutes of Health
Classification: Uncertain significance for Malignant hyperthermia, susceptibility to, 1. Last evaluated: 2023-10-02. Review status: criteria provided, single submitter. Criteria: ACMG Guidelines, 2015. Collection method: clinical testing. Allele origin: germline. Inheritance: Autosomal dominant inheritance. Observed: 2 variant alleles, 2 heterozygotes.
Comment: This missense variant replaces valine with isoleucine at codon 1830 of the RYR1 protein. Computational prediction suggests that this variant may not impact protein structure and function (internally defined REVEL score threshold <= 0.5, PMID: 27666373). To our knowledge, functional studies have not been reported for this variant. This variant has not been reported in individuals affected with RYR1-related disorders in the literature. This variant has been identified in 8/239546 chromosomes in the general population by the Genome Aggregation Database (gnomAD). The available evidence is insufficient to determine the role of this variant in disease conclusively. Therefore, this variant is classified as a Variant of Uncertain Significance.

This study involves interpretation of variants in research participants for the purpose of population health screening. Participant phenotype was not available at the time of variant classification. Additional details can be found in publication PMID: 35346344, PMCID: PMC8962531

Eurofins Ntd Llc (ga)
Classification: Uncertain significance. Last evaluated: 2015-10-06. Review status: criteria provided, single submitter. Criteria: EGL Classification Definitions 2015. Collection method: clinical testing. Allele origin: germline. Observed: 1 variant allele, 1 heterozygote.

NM_000540.3(RYR1):c.5488G>A (p.Val1830Ile)

Gene: RYR1 (ryanodine receptor 1; plus strand). Cytogenetic location: 19q13.2.
Variant type: single nucleotide variant.
Coding change: c.5488G>A on transcript NM_000540.3 (MANE Select); coding-DNA position 5488, G replaced by A.
Protein change: p.Val1830Ile; replaces valine 1830 with isoleucine.
Molecular consequence: missense variant.
Genome position (GRCh38, 1-based): chr19:38,486,143, G>A. VCF-style: chr19-38486143-G-A. GRCh37 (hg19) VCF-style: chr19-38976783-G-A.
Other names: c.5488G>A, p.Val1830Ile (NM_001042723.2); short protein forms V1830I.
Identifiers: ClinVar variation 283551 (VCV000283551.7), dbSNP rs147603571, ClinGen allele CA067174.